The following is an entry in ClinVar:

ClinVar aggregate classification (germline): Likely benign (1 of 4 stars; one submission).

Allele frequency attached by ClinVar (database versions not stated): gnomAD exomes below 0.00001.
gnomAD v4.1: 1 of 1,606,334 alleles (0.000062%); highest among the groups gnomAD compares: South Asian, 0.0011%; no homozygotes.

Submission:

GeneDx
Classification: Likely benign. Last evaluated: 2015-10-12. Review status: criteria provided, single submitter. Criteria: GeneDx Variant Classification (06012015). Collection method: clinical testing. Allele origin: germline. Affected: yes.
Comment: This variant is considered likely benign or benign based on one or more of the following criteria: it is a conservative change, it occurs at a poorly conserved position in the protein, it is predicted to be benign by multiple in silico algorithms, and/or has population frequency not consistent with disease.

NM_153033.5(KCTD7):c.493+13T>A

Gene: KCTD7 (potassium channel tetramerization domain containing 7; plus strand). Cytogenetic location: 7q11.21.
Variant type: single nucleotide variant.
Coding change: c.493+13T>A on transcript NM_153033.5 (MANE Select); 13 bases into the intron after coding-DNA position 493, T replaced by A.
Molecular consequence: intron variant.
Genome position (GRCh38, 1-based): chr7:66,638,444, T>A. VCF-style: chr7-66638444-T-A. GRCh37 (hg19) VCF-style: chr7-66103431-T-A.
Other names: c.493+13T>A (NM_001167961.2).
Identifiers: ClinVar variation 381065 (VCV000381065.1), dbSNP rs1057520945, ClinGen allele CA16605382.